The following is an entry in ClinVar:

ClinVar aggregate classification (germline): Likely pathogenic (1 of 4 stars; one submission).

Conditions:
COL2A1-related disorder. Also called: COL2A1-related condition; COL2A1-related disorders.

Submission:

PreventionGenetics, part of Exact Sciences
Classification: Likely pathogenic for COL2A1-related condition. Last evaluated: 2022-08-24. Review status: criteria provided, single submitter. Criteria: ACMG Guidelines, 2015. Collection method: clinical testing. Allele origin: germline.
Comment: The COL2A1 c.1524_1527delAAGA variant is predicted to result in a frameshift and premature protein termination (p.Arg509Valfs*119). To our knowledge, this variant has not been reported in the literature or in a large population database, indicating this variant is rare. Frameshift variants in COL2A1 are expected to be pathogenic. This variant is interpreted as likely pathogenic.

NM_001844.5(COL2A1):c.1524_1527del (p.Arg509fs)

Gene: COL2A1 (collagen type II alpha 1 chain; minus strand). Cytogenetic location: 12q13.11.
Variant type: Deletion.
Coding change: c.1524_1527del on transcript NM_001844.5 (MANE Select); coding-DNA positions 1524 to 1527, 4 bases deleted (AAGA; older notation c.1524_1527delAAGA).
Protein change: p.Arg509fs; shifts the reading frame from arginine 509.
Molecular consequence: frameshift variant.
Genome position (GRCh38, 1-based): chr12:47,986,336-47,986,339, TCTT deleted on the plus strand (AAGA on the coding strand, the reverse complement: COL2A1 is on the minus strand); deleting any 4 consecutive bases within chr12:47,986,336-47,986,342 gives the same sequence; the c. name uses the placement nearest the transcript's 3' end. VCF-style (leftmost placement, unchanged base first): chr12-47986335-CTCTT-C. GRCh37 (hg19) VCF-style: chr12-48380118-CTCTT-C.
Other names: c.1317_1320del, p.Arg440fs (NM_033150.3); short protein forms R440fs, R509fs.
Identifiers: ClinVar variation 2636570 (VCV002636570.1), dbSNP rs2540148817, ClinGen allele CA2695199067.